The following is an entry in ClinVar:

NM_002850.4(PTPRS):c.2983C>T (p.Leu995Phe)

Gene: PTPRS (protein tyrosine phosphatase receptor type S; minus strand). Cytogenetic location: 19p13.3.
Variant type: single nucleotide variant.
Coding change: c.2983C>T on transcript NM_002850.4 (MANE Select); coding-DNA position 2983, C replaced by T.
Protein change: p.Leu995Phe; replaces leucine 995 with phenylalanine.
Molecular consequence: missense variant. On other transcripts: intron variant (2).
Genome position (GRCh38, 1-based): chr19:5,222,809, G>A on the plus strand (C>T on the coding strand, the complement: PTPRS is on the minus strand). VCF-style: chr19-5222809-G-A. GRCh37 (hg19) VCF-style: chr19-5222820-G-A.
Other names: c.2917C>T, p.Leu973Phe (NM_001394011.1, NM_001394013.1, NM_130854.3); c.2944C>T, p.Leu982Phe (NM_001394012.1); c.1811-589C>T (NM_130853.3); c.1823-589C>T (NM_130855.3); short protein forms L973F, L982F, L995F.
Identifiers: ClinVar variation 2628749 (VCV002628749.1), dbSNP rs1228933665, ClinGen allele CA403513889.

ClinVar aggregate classification (germline): Uncertain significance (1 of 4 stars; one submission).

Conditions:
PTPRS-related disorder. Also called: PTPRS-related condition.

Allele frequency attached by ClinVar (database versions not stated): gnomAD exomes below 0.00001; TOPMed below 0.00001; gnomAD 0.00001.
gnomAD v4.1: 3 of 1,597,368 alleles (0.00019%); highest among the groups gnomAD compares: Admixed American, 0.005%; no homozygotes.

Submission:

PreventionGenetics, part of Exact Sciences
Classification: Uncertain significance for PTPRS-related condition. Last evaluated: 2023-05-10. Review status: criteria provided, single submitter. Criteria: ACMG Guidelines, 2015. Collection method: clinical testing. Allele origin: germline.
Comment: The PTPRS c.2983C>T variant is predicted to result in the amino acid substitution p.Leu995Phe. To our knowledge, this variant has not been reported in the literature. This variant is reported in 0.0029% of alleles in individuals of Latino descent in gnomAD. At this time, the clinical significance of this variant is uncertain due to the absence of conclusive functional and genetic evidence.